The following is an entry in ClinVar:

ClinVar aggregate classification (germline): Pathogenic (1 of 4 stars; one submission).

Conditions:
Hermansky-Pudlak syndrome 3 (HPS3). Identifiers: Orphanet 231512, Orphanet 79430, MedGen C3888001, MONDO:0013555, OMIM 614072.

Submission:

Myriad Genetics, Inc.
Classification: Pathogenic for Hermansky-Pudlak syndrome 3. Last evaluated: 2026-05-06. Review status: criteria provided, single submitter. Criteria: Myriad Autosomal Dominant, Autosomal Recessive and X-Linked Classification Criteria (2023). Collection method: clinical testing. Allele origin: unknown.
Comment: NM_032383.3(HPS3):c.2147T>A(L716*) is expected to be pathogenic in the context of Hermansky-Pudlak syndrome, HPS3-related. This variant is predicted to lead to an abnormal or absent protein product due to the creation of a premature termination codon in HPS3, a gene where loss-of-function variants are known to be pathogenic. Please note: this variant was assessed in the context of healthy population screening.

NM_032383.5(HPS3):c.2147T>A (p.Leu716Ter)

Gene: HPS3 (HPS3 biogenesis of lysosomal organelles complex 2 subunit 1; plus strand). Cytogenetic location: 3q24.
Variant type: single nucleotide variant.
Coding change: c.2147T>A on transcript NM_032383.5 (MANE Select); coding-DNA position 2147, T replaced by A.
Protein change: p.Leu716Ter; replaces leucine 716 with a stop codon.
Molecular consequence: nonsense.
Genome position (GRCh38, 1-based): chr3:149,162,188, T>A. VCF-style: chr3-149162188-T-A. GRCh37 (hg19) VCF-style: chr3-148879975-T-A.
Other names: c.1652T>A, p.Leu551Ter (NM_001308258.2); short protein forms L551*, L716*.
Identifiers: ClinVar variation 5015879 (VCV005015879.1).
Genomic context (GRCh38, chr3:149,162,188, plus strand): 5'-AATTTCTTTCTTATCTGAAGATGAAGTTGGTATGTGGCTTCATTCTGGAACCTCGGCTGT[T>A]GATTCAACAGAGAAAGGGACAGATTGTTCCAACCGAGCTTGCACTTCACTTGAAGGAAAC-3'